The following is an entry in ClinVar:

NM_000540.3(RYR1):c.569T>C (p.Val190Ala)

Gene: RYR1 (ryanodine receptor 1; plus strand). Cytogenetic location: 19q13.2.
Variant type: single nucleotide variant.
Coding change: c.569T>C on transcript NM_000540.3 (MANE Select); coding-DNA position 569, T replaced by C.
Protein change: p.Val190Ala; replaces valine 190 with alanine.
Molecular consequence: missense variant.
Genome position (GRCh38, 1-based): chr19:38,444,615, T>C. VCF-style: chr19-38444615-T-C. GRCh37 (hg19) VCF-style: chr19-38935255-T-C.
Other names: c.569T>C, p.Val190Ala (NM_001042723.2); short protein forms V190A.
Identifiers: ClinVar variation 590562 (VCV000590562.29), dbSNP rs752090652, ClinGen allele CA067390.
Genomic context (GRCh38, chr19:38,444,615, plus strand): 5'-TCTGACTGCCGCATCCTGGTGGCCCCCAGCACCTGTCGACCGCCAGTGGGGAGCTCCAGG[T>C]TGACGCTTCCTTCATGCAGACACTATGGAACATGAACCCCATCTGCTCCCGCTGCGAAGA-3'
Protein context (NP_000531.2, residues 180-200): HLSTASGELQ[Val190Ala]DASFMQTLWN

ClinVar aggregate classification (germline): Uncertain significance. Review status: criteria provided, multiple submitters, no conflicts (2 of 4 stars). 4 submissions from 4 submitters: Uncertain significance (4). Last evaluated 2024-08-23.

Conditions:
RYR1-related disorder. Also called: RYR1-related disorders; RYR1-related condition. Identifiers: MedGen CN239331.
Malignant hyperthermia, susceptibility to, 1 (MHS1). Also called: RYR1-Related Malignant Hyperthermia Susceptibility; Malignant hyperthermia suceptibility 1; Anesthesia related hyperthermia; Malignant hyperpyrexia; Fulminating hyperpyrexia; Pharmacogenic myopathy. Identifiers: Orphanet 423, MedGen C2930980, MONDO:0007783, OMIM 145600.

Allele frequency attached by ClinVar (database versions not stated): TOPMed below 0.00001; ExAC 0.00001; gnomAD exomes 0.00001 and 0.00002.
gnomAD v4.1: 15 of 1,613,912 alleles (0.00093%); highest among the groups gnomAD compares: South Asian, 0.015%; no homozygotes.

Submissions (4):

All of Us Research Program, National Institutes of Health
Classification: Uncertain significance for Malignant hyperthermia, susceptibility to, 1. Last evaluated: 2024-08-23. Review status: criteria provided, single submitter. Criteria: ACMG Guidelines, 2015. Collection method: clinical testing. Allele origin: germline. Inheritance: Autosomal dominant inheritance. Observed: 2 variant alleles, 2 heterozygotes.
Comment: This missense variant replaces valine with alanine at codon 190 of the RYR1 protein. Computational prediction is inconclusive regarding the impact of this variant on protein structure and function. To our knowledge, functional studies have not been reported for this variant. This variant has not been reported in individuals affected with RYR1-related disorders in the literature. This variant has been identified in 5/250824 chromosomes in the general population by the Genome Aggregation Database (gnomAD). The available evidence is insufficient to determine the role of this variant in disease conclusively. Therefore, this variant is classified as a Variant of Uncertain Significance.

This study involves interpretation of variants in research participants for the purpose of population health screening. Participant phenotype was not available at the time of variant classification. Additional details can be found in publication PMID: 35346344, PMCID: PMC8962531

CeGaT Center for Human Genetics Tuebingen
Classification: Uncertain significance. Last evaluated: 2024-05-01. Review status: criteria provided, single submitter. Criteria: CeGaT Center For Human Genetics Tuebingen Variant Classification Criteria Version 2. Collection method: clinical testing. Allele origin: germline. Affected: yes. Observed: 2 variant alleles.
Comment: RYR1: PM2

Labcorp Genetics (formerly Invitae), Labcorp
Classification: Uncertain significance for RYR1-related disorder. Last evaluated: 2021-09-01. Review status: criteria provided, single submitter. Criteria: Invitae Variant Classification Sherloc (09022015). Collection method: clinical testing. Allele origin: germline.
Comment: This sequence change replaces valine with alanine at codon 190 of the RYR1 protein (p.Val190Ala). The valine residue is highly conserved and there is a small physicochemical difference between valine and alanine. This variant is present in population databases (rs752090652, ExAC 0.006%). This variant has not been reported in the literature in individuals affected with RYR1-related conditions. ClinVar contains an entry for this variant (Variation ID: 590562). Algorithms developed to predict the effect of missense changes on protein structure and function output the following: SIFT: "Deleterious"; PolyPhen-2: "Probably Damaging"; Align-GVGD: "Class C0". The alanine amino acid residue is found in multiple mammalian species, which suggests that this missense change does not adversely affect protein function. In summary, the available evidence is currently insufficient to determine the role of this variant in disease. Therefore, it has been classified as a Variant of Uncertain Significance.

PreventionGenetics, part of Exact Sciences
Classification: Uncertain significance. Last evaluated: 2013-10-18. Review status: criteria provided, single submitter. Criteria: ACMG Guidelines, 2015. Collection method: clinical testing. Allele origin: germline.